The following is an entry in ClinVar:

NM_015046.7(SETX):c.7818C>T (p.Gly2606=)

Gene: SETX (senataxin; minus strand). Cytogenetic location: 9q34.13.
Variant type: single nucleotide variant.
Coding change: c.7818C>T on transcript NM_015046.7 (MANE Select); coding-DNA position 7818, C replaced by T.
Protein change: p.Gly2606=; no amino-acid change (glycine 2606 retained).
Molecular consequence: synonymous variant.
Genome position (GRCh38, 1-based): chr9:132,264,455, G>A on the plus strand (C>T on the coding strand, the complement: SETX is on the minus strand). VCF-style: chr9-132264455-G-A. GRCh37 (hg19) VCF-style: chr9-135139842-G-A.
Other names: p.Gly2606=; c.7818C>T, p.Gly2606= (NM_001351527.2); c.7905C>T, p.Gly2635= (NM_001351528.2).
Identifiers: ClinVar variation 805436 (VCV000805436.8), dbSNP rs764270386, ClinGen allele CA5296313.
Genomic context (GRCh38, chr9:132,264,455, plus strand): 5'-TTCCGGGTCATCACATTTGCTCTGACACGTGGAAGCCTCGGGACTGGCAGCTGGAGGTTC[G>A]CCCCGCACGGGAGGTTTGTGGCTGCTCAGAGCAGCCACTACAGCAGCGGGCTGCTGTATA-3'
Protein context (NP_055861.3, residues 2596-2616): ALSSHKPPVR[Gly2606=]EPPAASPEAS

ClinVar aggregate classification (germline): Benign/Likely benign. Review status: criteria provided, multiple submitters, no conflicts (2 of 4 stars). 6 submissions from 5 submitters: Benign (1); Likely benign (5). Last evaluated 2025-07-29.

Conditions:
Amyotrophic lateral sclerosis type 4 (ALS4). Also called: NEURONOPATHY, DISTAL HEREDITARY MOTOR, WITH PYRAMIDAL FEATURES; AMYOTROPHIC LATERAL SCLEROSIS 4, JUVENILE. Identifiers: Orphanet 357043, MedGen C1865409, MONDO:0011223, OMIM 602433.
Spinocerebellar ataxia, autosomal recessive, with axonal neuropathy 2 (SCAN2). Also called: Ataxia with Oculomotor Apraxia; Ataxia with Oculomotor Apraxia Type 2; Ataxia-ocular apraxia-2; ATAXIA-OCULOMOTOR APRAXIA 2. Identifiers: Orphanet 64753, MedGen C1853761, MONDO:0018996, OMIM 606002.

Allele frequency attached by ClinVar (database versions not stated): gnomAD 0.00003; gnomAD exomes 0.00003 and 0.00008; TOPMed 0.00005; ExAC 0.00007.
gnomAD v4.1: 47 of 1,613,678 alleles (0.0029%); highest among the groups gnomAD compares: Admixed American, 0.028%; no homozygotes.

Submissions (6):

Labcorp Genetics (formerly Invitae), Labcorp
Classification: Likely benign for Amyotrophic lateral sclerosis type 4; Spinocerebellar ataxia, autosomal recessive, with axonal neuropathy 2. Last evaluated: 2025-07-29. Review status: criteria provided, single submitter. Criteria: Invitae Variant Classification Sherloc (09022015). Collection method: clinical testing. Allele origin: germline.

Women's Health and Genetics/Laboratory Corporation of America, LabCorp
Classification: Likely benign. Last evaluated: 2025-07-08. Review status: criteria provided, single submitter. Criteria: LabCorp Variant Classification Summary - May 2015. Collection method: clinical testing. Allele origin: germline.

Mayo Clinic Laboratories, Mayo Clinic
Classification: Likely benign. Last evaluated: 2025-06-04. Review status: criteria provided, single submitter. Criteria: ACMG Guidelines, 2015. Collection method: clinical testing. Allele origin: germline. Observed: 1 variant allele.
Comment: BP4, BP7

Genome-Nilou Lab
Classification: Likely benign for Spinocerebellar ataxia, autosomal recessive, with axonal neuropathy 2. Last evaluated: 2023-02-08. Review status: criteria provided, single submitter. Criteria: ACMG Guidelines, 2015. Collection method: clinical testing. Allele origin: germline.

Genome-Nilou Lab
Classification: Likely benign for Amyotrophic lateral sclerosis type 4. Last evaluated: 2023-02-08. Review status: criteria provided, single submitter. Criteria: ACMG Guidelines, 2015. Collection method: clinical testing. Allele origin: germline.

Athena Diagnostics
Classification: Benign. Last evaluated: 2019-04-29. Review status: criteria provided, single submitter. Criteria: Athena Diagnostics Criteria. Collection method: clinical testing. Allele origin: germline.